The following is an entry in ClinVar:

ClinVar aggregate classification (germline): Uncertain significance (1 of 4 stars; one submission).

Conditions:
Autoimmune lymphoproliferative syndrome type 2A (ALPS2A). Also called: CASP10-Related Autoimmune Lymphoproliferative Syndrome; AUTOIMMUNE LYMPHOPROLIFERATIVE SYNDROME, TYPE IIA; Autoimmune lymphoproliferative syndrome type 2. Identifiers: Orphanet 3261, MedGen C1858968, MONDO:0011383, OMIM 603909.

gnomAD v4.1: 21 of 1,613,316 alleles (0.0013%); highest among the groups gnomAD compares: Non-Finnish European, 0.0015%; no homozygotes.

Submission:

Labcorp Genetics (formerly Invitae), Labcorp
Classification: Uncertain significance for Autoimmune lymphoproliferative syndrome type 2A. Last evaluated: 2025-08-14. Review status: criteria provided, single submitter. Criteria: Invitae Variant Classification Sherloc (09022015). Collection method: clinical testing. Allele origin: germline.
Comment: This sequence change replaces valine, which is neutral and non-polar, with methionine, which is neutral and non-polar, at codon 352 of the CASP10 protein (p.Val352Met). This variant is present in population databases (rs762087406, gnomAD 0.0009%). This variant has not been reported in the literature in individuals affected with CASP10-related conditions. Invitae Evidence Modeling of protein sequence and biophysical properties (such as structural, functional, and spatial information, amino acid conservation, physicochemical variation, residue mobility, and thermodynamic stability) indicates that this missense variant is not expected to disrupt CASP10 protein function with a negative predictive value of 80%. In summary, the available evidence is currently insufficient to determine the role of this variant in disease. Therefore, it has been classified as a Variant of Uncertain Significance.

NM_032977.4(CASP10):c.1054G>A (p.Val352Met)

Gene: CASP10 (caspase 10; plus strand). Cytogenetic location: 2q33.1.
Variant type: single nucleotide variant.
Coding change: c.1054G>A on transcript NM_032977.4 (MANE Select); coding-DNA position 1054, G replaced by A.
Protein change: p.Val352Met; replaces valine 352 with methionine.
Molecular consequence: missense variant. On other transcripts: 3 prime UTR variant (1).
Genome position (GRCh38, 1-based): chr2:201,209,201, G>A. VCF-style: chr2-201209201-G-A. GRCh37 (hg19) VCF-style: chr2-202073924-G-A.
Other names: c.853G>A, p.Val285Met (NM_001206524.2); c.925G>A, p.Val309Met (NM_001206542.2, NM_001230.5); c.1054G>A, p.Val352Met (NM_032974.5); c.*140G>A (NM_032976.4); short protein forms V285M, V352M, V309M.
Identifiers: ClinVar variation 4794324 (VCV004794324.1).